The following is an entry in ClinVar:

ClinVar aggregate classification (germline): Uncertain significance. Review status: criteria provided, multiple submitters, no conflicts (2 of 4 stars). 4 submissions from 4 submitters: Uncertain significance (3). 1 of the submissions does not count toward it. Last evaluated 2025-11-08.

Conditions:
Pulmonary fibrosis and/or bone marrow failure, Telomere-related, 3. Also called: PULMONARY FIBROSIS AND/OR BONE MARROW FAILURE SYNDROME, TELOMERE-RELATED, 3. Identifiers: Orphanet 2032, MedGen C4225346, MONDO:0014613, OMIM 616373.
Dyskeratosis congenita, autosomal recessive 5 (DKCB5). Identifiers: MedGen C3554656, MONDO:0014076, OMIM 615190.
Dyskeratosis congenita. Identifiers: Orphanet 1775, MedGen C0265965, MONDO:0015780.

Allele frequency attached by ClinVar (database versions not stated): gnomAD exomes 0.00002; ExAC 0.00003; gnomAD 0.00004 and 0.00005; TOPMed 0.00005.
gnomAD v4.1: 42 of 1,605,686 alleles (0.0026%); highest among the groups gnomAD compares: African/African-American, 0.0093%; no homozygotes.

Submissions (4):

Labcorp Genetics (formerly Invitae), Labcorp
Classification: Uncertain significance for Dyskeratosis congenita, autosomal recessive 5; Pulmonary fibrosis and/or bone marrow failure, Telomere-related, 3. Last evaluated: 2025-11-08. Review status: criteria provided, single submitter. Criteria: Invitae Variant Classification Sherloc (09022015). Collection method: clinical testing. Allele origin: germline.
Comment: This sequence change replaces alanine, which is neutral and non-polar, with valine, which is neutral and non-polar, at codon 758 of the RTEL1 protein (p.Ala758Val). This variant is present in population databases (rs745535053, gnomAD 0.02%). This variant has not been reported in the literature in individuals affected with RTEL1-related conditions. ClinVar contains an entry for this variant (Variation ID: 839112). An algorithm developed to predict the effect of missense changes on protein structure and function outputs the following: PolyPhen-2: "Benign". The valine amino acid residue is found in multiple mammalian species, which suggests that this missense change does not adversely affect protein function. In summary, the available evidence is currently insufficient to determine the role of this variant in disease. Therefore, it has been classified as a Variant of Uncertain Significance.

Sema4
Classification: Uncertain significance for Dyskeratosis congenita. Last evaluated: 2021-07-27. Review status: criteria provided, single submitter. Criteria: Sema4 Curation Guidelines. Collection method: curation. Allele origin: germline.
Comment: The RTEL1 c.2273C>T (p.A758V) variant has not been reported in the literature to our knowledge. It was observed in 4/19910 chromosomes in the East Asian subpopulation in the large and broad cohorts of the Genome Aggregation Database (PMID: 32461654). The variant has been reported in ClinVar (Variation ID: 839112). Functional studies have not been performed, and in silico predictions of the variant's effect on protein function are inconclusive. The evidence is insufficient to meet ACMG/AMP criteria for classifying the variant as benign or pathogenic. Thus, the clinical significance of this variant is currently uncertain.

Mayo Clinic Laboratories, Mayo Clinic
Classification: Uncertain significance. Last evaluated: 2021-07-07. Review status: criteria provided, single submitter. Criteria: ACMG Guidelines, 2015. Collection method: clinical testing. Allele origin: germline.

Natera, Inc.
Classification: Uncertain significance for Dyskeratosis congenita. Last evaluated: 2020-02-13. Review status: no assertion criteria provided. Collection method: clinical testing. Allele origin: germline. Not counted in ClinVar's aggregate classification.

NM_001283009.2(RTEL1):c.2273C>T (p.Ala758Val)

Genes: RTEL1 (regulator of telomere elongation helicase 1; plus strand), RTEL1-TNFRSF6B (RTEL1-TNFRSF6B readthrough (NMD candidate); plus strand). Cytogenetic location: 20q13.33.
Variant type: single nucleotide variant.
Coding change: c.2273C>T on transcript NM_001283009.2 (MANE Select); coding-DNA position 2273, C replaced by T.
Protein change: p.Ala758Val; replaces alanine 758 with valine.
Molecular consequence: missense variant. On other transcripts: non-coding transcript variant (1).
Genome position (GRCh38, 1-based): chr20:63,690,301, C>T. VCF-style: chr20-63690301-C-T. GRCh37 (hg19) VCF-style: chr20-62321654-C-T.
Other names: p.Ala782Val; c.1604C>T, p.Ala535Val (NM_001283010.1); c.2273C>T, p.Ala758Val (NM_016434.4); c.2345C>T, p.Ala782Val (NM_032957.5); short protein forms A758V, A782V, A535V.
Identifiers: ClinVar variation 839112 (VCV000839112.10), dbSNP rs745535053, ClinGen allele CA9965264.